The following is an entry in ClinVar:

NM_002439.5(MSH3):c.1669A>G (p.Lys557Glu)

Gene: MSH3 (mutS homolog 3; plus strand). Cytogenetic location: 5q14.1.
Variant type: single nucleotide variant.
Coding change: c.1669A>G on transcript NM_002439.5 (MANE Select); coding-DNA position 1669, A replaced by G.
Protein change: p.Lys557Glu; replaces lysine 557 with glutamic acid.
Molecular consequence: missense variant.
Genome position (GRCh38, 1-based): chr5:80,744,521, A>G. VCF-style: chr5-80744521-A-G. GRCh37 (hg19) VCF-style: chr5-80040340-A-G.
Other names: c.1669A>G (NM_002439.3); short protein forms K557E.
Identifiers: ClinVar variation 641243 (VCV000641243.12), dbSNP rs1580599361, ClinGen allele CA360274651.

ClinVar aggregate classification (germline): Uncertain significance. Review status: criteria provided, multiple submitters, no conflicts (2 of 4 stars). 3 submissions from 3 submitters: Uncertain significance (3). Last evaluated 2024-12-02.

Conditions:
Hereditary cancer-predisposing syndrome. Also called: Neoplastic Syndromes, Hereditary; Tumor predisposition; Hereditary Cancer Syndrome; Hereditary neoplastic syndrome. Identifiers: Orphanet 140162, MedGen C0027672, MeSH D009386, MONDO:0015356.

Submissions (3):

Ambry Genetics
Classification: Uncertain significance for Hereditary cancer-predisposing syndrome. Last evaluated: 2024-12-02. Review status: criteria provided, single submitter. Criteria: Ambry Variant Classification Scheme 2023. Collection method: clinical testing. Allele origin: germline.
Comment: The p.K557E variant (also known as c.1669A>G), located in coding exon 12 of the MSH3 gene, results from an A to G substitution at nucleotide position 1669. The lysine at codon 557 is replaced by glutamic acid, an amino acid with similar properties. This amino acid position is conserved. In addition, the in silico prediction for this alteration is inconclusive. Based on the available evidence, the clinical significance of this variant remains unclear.

Labcorp Genetics (formerly Invitae), Labcorp
Classification: Uncertain significance. Last evaluated: 2024-11-30. Review status: criteria provided, single submitter. Criteria: Invitae Variant Classification Sherloc (09022015). Collection method: clinical testing. Allele origin: germline.
Comment: This sequence change replaces lysine, which is basic and polar, with glutamic acid, which is acidic and polar, at codon 557 of the MSH3 protein (p.Lys557Glu). This variant is not present in population databases (gnomAD no frequency). This variant has not been reported in the literature in individuals affected with MSH3-related conditions. ClinVar contains an entry for this variant (Variation ID: 641243). An algorithm developed to predict the effect of missense changes on protein structure and function (PolyPhen-2) suggests that this variant is likely to be disruptive. In summary, the available evidence is currently insufficient to determine the role of this variant in disease. Therefore, it has been classified as a Variant of Uncertain Significance.

Quest Diagnostics Nichols Institute San Juan Capistrano
Classification: Uncertain significance. Last evaluated: 2024-09-09. Review status: criteria provided, single submitter. Criteria: Quest Diagnostics criteria. Collection method: clinical testing. Allele origin: unknown.
Comment: The MSH3 c.1669A>G (p.Lys557Glu) variant has not been reported in individuals with MSH3-related conditions in the published literature. It also has not been reported in large, multi-ethnic general populations (Genome Aggregation Database). Analysis of this variant using bioinformatics tools for the prediction of the effect of amino acid changes on protein structure and function yielded predictions that this variant is benign. Based on the available information, we are unable to determine the clinical significance of this variant.